The following is an entry in ClinVar:

ClinVar aggregate classification (germline): Uncertain significance (1 of 4 stars; one submission).

Conditions:
Gastrointestinal stromal tumor. Also called: Gastrointestinal stroma tumor; Gastrointestinal stromal tumor, somatic. Identifiers: Orphanet 44890, MedGen C0238198, MeSH D046152, MONDO:0011719, OMIM 606764, HP:0100723.

Submission:

Labcorp Genetics (formerly Invitae), Labcorp
Classification: Uncertain significance for Gastrointestinal stromal tumor. Last evaluated: 2021-05-09. Review status: criteria provided, single submitter. Criteria: Invitae Variant Classification Sherloc (09022015). Collection method: clinical testing. Allele origin: germline.
Comment: In summary, the available evidence is currently insufficient to determine the role of this variant in disease. Therefore, it has been classified as a Variant of Uncertain Significance. Algorithms developed to predict the effect of missense changes on protein structure and function are either unavailable or do not agree on the potential impact of this missense change (SIFT: "Deleterious"; PolyPhen-2: "Probably Damaging"; Align-GVGD: "Class C0"). This variant has not been reported in the literature in individuals with PDGFRA-related conditions. This variant is not present in population databases (ExAC no frequency). This sequence change replaces cysteine with serine at codon 235 of the PDGFRA protein (p.Cys235Ser). The cysteine residue is highly conserved and there is a moderate physicochemical difference between cysteine and serine.

NM_006206.6(PDGFRA):c.704G>C (p.Cys235Ser)

Gene: PDGFRA (platelet derived growth factor receptor alpha; plus strand). Cytogenetic location: 4q12.
Variant type: single nucleotide variant.
Coding change: c.704G>C on transcript NM_006206.6 (MANE Select); coding-DNA position 704, G replaced by C.
Protein change: p.Cys235Ser; replaces cysteine 235 with serine.
Molecular consequence: missense variant.
Genome position (GRCh38, 1-based): chr4:54,264,994, G>C. VCF-style: chr4-54264994-G-C. GRCh37 (hg19) VCF-style: chr4-55131161-G-C.
Other names: c.704G>C, p.Cys235Ser (NM_001347827.2, NM_001347829.2); c.779G>C, p.Cys260Ser (NM_001347828.2); c.743G>C, p.Cys248Ser (NM_001347830.2); short protein forms C248S, C260S, C235S.
Identifiers: ClinVar variation 1380849 (VCV001380849.8), dbSNP rs2110258199, ClinGen allele CA356890912.